The following is an entry in ClinVar:

ClinVar aggregate classification (germline): Conflicting classifications of pathogenicity. Review status: criteria provided, conflicting classifications (1 of 4 stars). 3 submissions from 3 submitters: Likely pathogenic (1); Uncertain significance (2). Last evaluated 2025-01-15.

Conditions:
Inborn genetic diseases. Identifiers: MedGen C0950123, MeSH D030342.
Leukoencephalopathy with brain stem and spinal cord involvement-high lactate syndrome (LBSL). Also called: MITOCHONDRIAL ASPARTYL-tRNA SYNTHETASE DEFICIENCY; LEUKOENCEPHALOPATHY WITH BRAINSTEM AND SPINAL CORD INVOLVEMENT AND LACTATE ELEVATION, MILD; Leukoencephalopathy with Brainstem and Spinal Cord Involvement and Lactate Elevation. Identifiers: Orphanet 137898, MedGen C1970180, MONDO:0012622, OMIM 611105.

Allele frequency attached by ClinVar (database versions not stated): gnomAD 0.00001; ExAC 0.00002; gnomAD exomes 0.00003.
gnomAD v4.1: 42 of 1,610,998 alleles (0.0026%); highest among the groups gnomAD compares: Non-Finnish European, 0.0031%; no homozygotes.

Submissions (3):

Broad Center for Mendelian Genomics, Broad Institute of MIT and Harvard
Classification: Uncertain significance for Leukoencephalopathy with brain stem and spinal cord involvement-high lactate syndrome. Last evaluated: 2025-01-15. Review status: criteria provided, single submitter. Criteria: ACMG Guidelines, 2015. Collection method: curation. Allele origin: germline. Inheritance: Autosomal recessive inheritance.
Comment: The p.Arg58His variant in DARS2 has not been previously reported in the literature in individuals with leukoencephalopathy with brain stem and spinal cord involvement-high lactate syndrome, but has been identified in 0.003% (37/1179558) of European (non-Finnish) chromosomes by the Genome Aggregation Database (gnomAD; dbSNP rs773592266). Although this variant has been seen in the general population in a heterozygous state, its frequency is low enough to be consistent with a recessive carrier frequency. This variant has also been reported in ClinVar (Variation ID: 2179363) and has been interpreted as likely pathogenic by Invitae and a variant of unknown significance by Ambry Genetics. Computational prediction tools and conservation analyses do not provide strong support for or against an impact to the protein. One additional pathogenic variant, resulting in a different amino acid change at the same position, p.Arg58Gly, has been reported in association with disease in the literature and in ClinVar, supporting that a change at this position may not be tolerated (PMID: 33977142, 26327357, 24566671; Variation ID: 1188834). In summary, the clinical significance of the p.Arg58His variant is uncertain. ACMG/AMP Criteria applied: PM5_supporting, PM2_supporting (Richards 2015).

Ambry Genetics
Classification: Uncertain significance for Inborn genetic diseases. Last evaluated: 2023-03-07. Review status: criteria provided, single submitter. Criteria: Ambry Variant Classification Scheme 2023. Collection method: clinical testing. Allele origin: germline.

Labcorp Genetics (formerly Invitae), Labcorp
Classification: Likely pathogenic. Last evaluated: 2022-06-14. Review status: criteria provided, single submitter. Criteria: Invitae Variant Classification Sherloc (09022015). Collection method: clinical testing. Allele origin: germline.
Comment: This sequence change replaces arginine, which is basic and polar, with histidine, which is basic and polar, at codon 58 of the DARS2 protein (p.Arg58His). This variant is present in population databases (rs773592266, gnomAD 0.006%). This variant has not been reported in the literature in individuals affected with DARS2-related conditions. Advanced modeling of protein sequence and biophysical properties (such as structural, functional, and spatial information, amino acid conservation, physicochemical variation, residue mobility, and thermodynamic stability) performed at Invitae indicates that this missense variant is expected to disrupt DARS2 protein function. This variant disrupts the p.Arg58 amino acid residue in DARS2. Other variant(s) that disrupt this residue have been determined to be pathogenic (PMID: 24566671, 26327357, 33977142). This suggests that this residue is clinically significant, and that variants that disrupt this residue are likely to be disease-causing. In summary, the currently available evidence indicates that the variant is pathogenic, but additional data are needed to prove that conclusively. Therefore, this variant has been classified as Likely Pathogenic.

Literature cited by the submitters: PubMed 24566671 (cited by Labcorp Genetics (formerly Invitae), Labcorp); PubMed 26327357 (cited by Labcorp Genetics (formerly Invitae), Labcorp); PubMed 33977142 (cited by Labcorp Genetics (formerly Invitae), Labcorp).

NM_018122.5(DARS2):c.173G>A (p.Arg58His)

Gene: DARS2 (aspartyl-tRNA synthetase 2, mitochondrial; plus strand). Cytogenetic location: 1q25.1.
Variant type: single nucleotide variant.
Coding change: c.173G>A on transcript NM_018122.5 (MANE Select); coding-DNA position 173, G replaced by A.
Protein change: p.Arg58His; replaces arginine 58 with histidine.
Molecular consequence: missense variant.
Genome position (GRCh38, 1-based): chr1:173,826,732, G>A. VCF-style: chr1-173826732-G-A. GRCh37 (hg19) VCF-style: chr1-173795870-G-A.
Other names: NM_018122.5(DARS2):c.173G>A; p.Arg58His; c.173G>A, p.Arg58His (NM_001365212.1, NM_001365213.2); c.173G>A (NM_018122.4); short protein forms R58H.
Identifiers: ClinVar variation 2179363 (VCV002179363.7), dbSNP rs773592266, ClinGen allele CA1250018.